The following is an entry in ClinVar:

NM_000361.3(THBD):c.1289G>A (p.Gly430Asp)

Gene: THBD (thrombomodulin; minus strand). Cytogenetic location: 20p11.21.
Variant type: single nucleotide variant.
Coding change: c.1289G>A on transcript NM_000361.3 (MANE Select); coding-DNA position 1289, G replaced by A.
Protein change: p.Gly430Asp; replaces glycine 430 with aspartic acid.
Molecular consequence: missense variant.
Genome position (GRCh38, 1-based): chr20:23,048,216, C>T on the plus strand (G>A on the coding strand, the complement: THBD is on the minus strand). VCF-style: chr20-23048216-C-T. GRCh37 (hg19) VCF-style: chr20-23028853-C-T.
Other names: short protein forms G430D.
Identifiers: ClinVar variation 4280580 (VCV004280580.2).
Genomic context (GRCh38, chr20:23,048,216, plus strand): 5'-AAGCCGCCGTTTTCGCACTCGTCGATGTCCGTGCAGATGAAACCGTCGTCCAGGATGTAG[C>T]CTTCAGGGCACTCACAGCTAGCCTGGGTGTTGGGGTCGCAGTCGGCTGGACAGGCAGTCT-3'
Protein context (NP_000352.1, residues 420-440): NTQASCECPE[Gly430Asp]YILDDGFICT

ClinVar aggregate classification (germline): Uncertain significance (1 of 4 stars; one submission).

Conditions:
Thrombomodulin-related bleeding disorder (THPH12). Also called: Thrombophilia due to thrombomodulin defect. Identifiers: Orphanet 436169, MedGen C3280976, MONDO:0013775, OMIM 614486.

Submission:

Genomenon, Inc
Classification: Uncertain significance for Thrombomodulin-related bleeding disorder. Last evaluated: 2026-09-17. Review status: criteria provided, single submitter. Criteria: Genomenon Sequence Variant Interpretation Standards - Updated. Collection method: curation. Allele origin: germline. Affected: no.
Comment: THBD p.Gly430Asp (c.1289G>A) is a missense variant that changes the amino acid at codon 430 from glycine to aspartic acid. This variant has been reported in the published literature (PMID:40272857;39694492;32556284;39026660). It is absent or not present at a significant frequency in gnomAD. In silico models predict that this variant is possibly or probably damaging. In conclusion, we classify THBD p.Gly430Asp (c.1289G>A) as a variant of uncertain significance.

Literature cited by the submitters: PubMed 40272857; PubMed 39694492; PubMed 32556284; PubMed 39026660.